The following is an entry in ClinVar:

Conditions:
Breast-ovarian cancer, familial, susceptibility to, 1 (BROVCA1). Also called: BRCA1 Hereditary Breast and Ovarian Cancer; OVARIAN CANCER, SUSCEPTIBILITY TO. Identifiers: Orphanet 145, MedGen C2676676, MONDO:0011450, OMIM 604370. Disease mechanism: loss of function.

Submission:

Brotman Baty Institute, University of Washington
No classification provided (evidence only). Condition: Breast-ovarian cancer, familial 1. Review status: no classification provided. Collection method: in vitro. Allele origin: not applicable. Functional consequence: functionally_normal.
ClinVar note: "not provided" was previously submitted as the classification for the variant. However, the classification appeared to be based only on an observation of functional data so it was converted to no classification on 2025-07-30.

NM_007294.4(BRCA1):c.4960G>T (p.Val1654Leu)

Gene: BRCA1 (BRCA1 DNA repair associated; minus strand). Cytogenetic location: 17q21.31.
Variant type: single nucleotide variant.
Coding change: c.4960G>T on transcript NM_007294.4 (MANE Select); coding-DNA position 4960, G replaced by T.
Protein change: p.Val1654Leu; replaces valine 1654 with leucine.
Molecular consequence: missense variant. On other transcripts: non-coding transcript variant (1).
Genome position (GRCh38, 1-based): chr17:43,070,954, C>A on the plus strand (G>T on the coding strand, the complement: BRCA1 is on the minus strand). VCF-style: chr17-43070954-C-A. GRCh37 (hg19) VCF-style: chr17-41222971-C-A.
Other names: c.4747G>T, p.Val1583Leu (NM_001407571.1, NM_001407902.1, NM_001407904.1 and 12 more transcripts); c.5026G>T, p.Val1676Leu (NM_001407581.1, NM_001407582.1); c.5023G>T, p.Val1675Leu (NM_001407583.1, NM_001407585.1, NM_001407587.1 and 1 more transcripts); c.5020G>T, p.Val1674Leu (NM_001407590.1, NM_001407591.1); c.4960G>T, p.Val1654Leu (NM_001407593.1, NM_001407594.1, NM_001407596.1 and 8 more transcripts); c.4957G>T, p.Val1653Leu (NM_001407610.1, NM_001407611.1, NM_001407612.1 and 17 more transcripts); c.4954G>T, p.Val1652Leu (NM_001407630.1, NM_001407631.1, NM_001407632.1 and 14 more transcripts); c.4882G>T, p.Val1628Leu (NM_001407653.1, NM_001407654.1, NM_001407655.1); and 70 more; short protein forms V1607L, V1675L, V550L, V1654L, V1357L, V1358L, V1485L, V1500L.
Identifiers: ClinVar variation 865464 (VCV000865464.3), dbSNP rs2052362962, ClinGen allele CA10591603.